The following is an entry in ClinVar:

ClinVar aggregate classification (germline): Likely pathogenic (3 of 4 stars; one submission).

Conditions:
Open-angle glaucoma. Identifiers: MedGen C0017612, MONDO:0005338, HP:0012108.

Allele frequency attached by ClinVar (database versions not stated): gnomAD exomes below 0.00001.
gnomAD v4.1: 2 of 1,614,112 alleles (0.00012%); highest among the groups gnomAD compares: Non-Finnish European, 0.00017%; no homozygotes.

Submission:

ClinGen Glaucoma Variant Curation Expert Panel
Classification: Likely pathogenic for Open-angle glaucoma. Last evaluated: 2026-02-18. Review status: reviewed by expert panel. Criteria: ClinGen Glaucoma ACMG Specifications V2.0.0 Approved. Collection method: curation. Allele origin: germline. Inheritance: Autosomal dominant inheritance.
Comment: The c.1496T>G variant in MYOC is a missense variant predicted to cause substitution of Isoleucine by Serine at amino acid 499 (p.Ile499Ser). The highest minor allele frequency of this variant was in the European (non-Finnish) genetic ancestry group of gnomAD (v4.1.0) = 0.000001695 (2 alleles out of 1,180,016), which met the ≤ 0.0001 threshold set for PM2_Supporting in a genetic ancestry group of at least 10,000 alleles. The REVEL score = 0.798, which was within the 0.773-0.931 range for PP3_Moderate, predicting a damaging effect on MYOC function. The Ile499Ser protein had increased insolubility levels compared to wild type myocilin protein in this study (PMID: 11004290). The assay met the OddsPath threshold for PS3_Supporting (> 2.1) (when combined with PMID: 10545602) indicating that this variant did impact protein function. Only 1 segregation had been reported for juvenile open angle glaucoma (PMID: 11004290), not meeting the ≥ 3 segregations required for PP1. 2 probands with juvenile or primary open angle glaucoma have been reported carrying this variant (PMID: 11004290 and ANZRAG database [E. Souzeau pers. comm.]), which met PS4_Supporting (≥ 2 probands). Another missense variant (c.1495A>T, p.Ile499Phe, Grantham score = 21, ClinVarID: 1686792) in the same codon has been classified as likely pathogenic for juvenile open angle glaucoma by the ClinGen Glaucoma VCEP. The c.1496T>G, p.Ile499Ser variant has a higher Grantham score (= 142) than the previously classified amino acid change, was not predicted to affect splicing as assessed with SpliceAI (≤ 0.2), and met PP3, meeting the conditions for PM5_Supporting to apply. In summary, this variant met the criteria to receive a score of 6 and to be classified as likely pathogenic (likely pathogenic classification range 6 to 9, adapted from PMID: 32720330) for juvenile open angle glaucoma based on the ACMG/AMP criteria met, as specified by the ClinGen Glaucoma VCEP (v2.0.0, 5 Dec 2024): PP3_Moderate, PS3_Supporting, PS4_Supporting, PM2_Supporting, PM5_Supporting

NM_000261.2(MYOC):c.1496T>G (p.Ile499Ser)

Gene: MYOC (myocilin; minus strand). Cytogenetic location: 1q24.3.
Variant type: single nucleotide variant.
Coding change: c.1496T>G on transcript NM_000261.2 (MANE Select); coding-DNA position 1496, T replaced by G.
Protein change: p.Ile499Ser; replaces isoleucine 499 with serine.
Molecular consequence: missense variant.
Genome position (GRCh38, 1-based): chr1:171,635,944, A>C on the plus strand (T>G on the coding strand, the complement: MYOC is on the minus strand). VCF-style: chr1-171635944-A-C. GRCh37 (hg19) VCF-style: chr1-171605084-A-C.
Other names: NM_000261.2:c.1496T>G; short protein forms I499S.
Identifiers: ClinVar variation 1686793 (VCV001686793.4), dbSNP rs2102944438, ClinGen allele CA343722837.